The following is an entry in ClinVar:

NM_020821.3(VPS13C):c.4988C>G (p.Ser1663Cys)

Gene: VPS13C (vacuolar protein sorting 13 homolog C; minus strand). Cytogenetic location: 15q22.2.
Variant type: single nucleotide variant.
Coding change: c.4988C>G on transcript NM_020821.3 (MANE Select); coding-DNA position 4988, C replaced by G.
Protein change: p.Ser1663Cys; replaces serine 1663 with cysteine.
Molecular consequence: missense variant.
Genome position (GRCh38, 1-based): chr15:61,945,875, G>C on the plus strand (C>G on the coding strand, the complement: VPS13C is on the minus strand). VCF-style: chr15-61945875-G-C. GRCh37 (hg19) VCF-style: chr15-62238074-G-C.
Other names: c.4988C>G, p.Ser1663Cys (NM_001018088.3); c.4859C>G, p.Ser1620Cys (NM_017684.5, NM_018080.4); short protein forms S1620C, S1663C.
Identifiers: ClinVar variation 1463620 (VCV001463620.8), dbSNP rs781089729, ClinGen allele CA392692239.

ClinVar aggregate classification (germline): Uncertain significance (1 of 4 stars; one submission).

gnomAD v4.1: 3 of 1,605,800 alleles (0.00019%); no homozygotes.

Submission:

Labcorp Genetics (formerly Invitae), Labcorp
Classification: Uncertain significance. Last evaluated: 2021-05-03. Review status: criteria provided, single submitter. Criteria: Invitae Variant Classification Sherloc (09022015). Collection method: clinical testing. Allele origin: germline.
Comment: In summary, the available evidence is currently insufficient to determine the role of this variant in disease. Therefore, it has been classified as a Variant of Uncertain Significance. Algorithms developed to predict the effect of missense changes on protein structure and function are either unavailable or do not agree on the potential impact of this missense change (SIFT: "Deleterious"; PolyPhen-2: "Benign"; Align-GVGD: "Class C0"). This variant has not been reported in the literature in individuals with VPS13C-related conditions. This variant is not present in population databases (ExAC no frequency). This sequence change replaces serine with cysteine at codon 1663 of the VPS13C protein (p.Ser1663Cys). The serine residue is highly conserved and there is a moderate physicochemical difference between serine and cysteine.